The following is an entry in ClinVar:

ClinVar aggregate classification (germline): Pathogenic/Likely pathogenic. Review status: criteria provided, multiple submitters, no conflicts (2 of 4 stars). 4 submissions from 4 submitters: Pathogenic (3); Likely pathogenic (1). Last evaluated 2026-03-18.

Conditions:
Epilepsy, idiopathic generalized, susceptibility to, 17 (EIG17). Identifiers: MedGen C5561931, MONDO:0100519, OMIM 602477.
HCN2 related developmental and epileptic encephalopathy.

Submissions (4):

GeneDx
Classification: Pathogenic. Last evaluated: 2026-03-18. Review status: criteria provided, single submitter. Criteria: GeneDx Variant Classification Process June 2021. Collection method: clinical testing. Allele origin: germline.
Comment: Published functional studies suggest a damaging effect which could impair neuronal excitability (PMID: 38562733); In silico analysis supports that this missense variant has a deleterious effect on protein structure/function; Not observed at significant frequency in large population cohorts (gnomAD); This variant is associated with the following publications: (PMID: 33057194, 38562733, 40468825, 35982159)

Institute of Medical Genetics and Applied Genomics, University Hospital Tübingen
Classification: Pathogenic for Epilepsy, idiopathic generalized, susceptibility to, 17. Last evaluated: 2025-09-18. Review status: criteria provided, single submitter. Criteria: ACMG Guidelines, 2015. Collection method: clinical testing. Allele origin: de novo. Inheritance: Autosomal dominant inheritance. Affected: yes.

Institute of Human Genetics, University of Leipzig Medical Center
Classification: Likely pathogenic for Epilepsy, idiopathic generalized, susceptibility to, 17. Last evaluated: 2024-03-11. Review status: criteria provided, single submitter. Criteria: ACMG Guidelines, 2015. Collection method: clinical testing. Allele origin: unknown. Inheritance: Autosomal dominant inheritance. Affected: yes.
Comment: Criteria applied: PS2,PS4_SUP,PM2_SUP,PP2,PP3

Department of Genetics, CHU d'Angers
Classification: Pathogenic for HCN2 related developmental and epileptic encephalopathy. Last evaluated: 2024-02-07. Review status: criteria provided, single submitter. Criteria: ACMG Guidelines, 2015. Collection method: research. Allele origin: de novo. Affected: yes.

NM_001194.4(HCN2):c.1120A>C (p.Met374Leu)

Gene: HCN2 (hyperpolarization activated cyclic nucleotide gated potassium and sodium channel 2; plus strand). Cytogenetic location: 19p13.3.
Variant type: single nucleotide variant.
Coding change: c.1120A>C on transcript NM_001194.4 (MANE Select); coding-DNA position 1120, A replaced by C.
Protein change: p.Met374Leu; replaces methionine 374 with leucine.
Molecular consequence: missense variant.
Genome position (GRCh38, 1-based): chr19:605,124, A>C. VCF-style: chr19-605124-A-C. GRCh37 (hg19) VCF-style: chr19-605124-A-C.
Other names: short protein forms M374L.
Identifiers: ClinVar variation 983136 (VCV000983136.6), dbSNP rs1983378020, ClinGen allele CA402876249.